The following is an entry in ClinVar:

NM_001369268.1(ACAN):c.7561C>T (p.Arg2521Cys)

Gene: ACAN (aggrecan; plus strand). Cytogenetic location: 15q26.1.
Variant type: single nucleotide variant.
Coding change: c.7561C>T on transcript NM_001369268.1 (MANE Select); coding-DNA position 7561, C replaced by T.
Protein change: p.Arg2521Cys; replaces arginine 2521 with cysteine.
Molecular consequence: missense variant. On other transcripts: intron variant (1).
Genome position (GRCh38, 1-based): chr15:88,873,955, C>T. VCF-style: chr15-88873955-C-T. GRCh37 (hg19) VCF-style: chr15-89417186-C-T.
Other names: c.7333C>T, p.Arg2445Cys (NM_001411096.1); c.7447C>T, p.Arg2483Cys (NM_001411097.1, NM_013227.4); c.7220-450C>T (NM_001135.4); short protein forms R2445C, R2483C, R2521C.
Identifiers: ClinVar variation 3689422 (VCV003689422.4).

ClinVar aggregate classification (germline): Uncertain significance. Review status: criteria provided, multiple submitters, no conflicts (2 of 4 stars). 2 submissions from 2 submitters: Uncertain significance (2). Last evaluated 2026-05-01.

gnomAD v4.1: 7 of 1,613,460 alleles (0.00043%); highest among the groups gnomAD compares: East Asian, 0.0022%; no homozygotes.

Submissions (2):

CeGaT Center for Human Genetics Tuebingen
Classification: Uncertain significance. Last evaluated: 2026-05-01. Review status: criteria provided, single submitter. Criteria: CeGaT Center For Human Genetics Tuebingen Variant Classification Criteria Version 2. Collection method: clinical testing. Allele origin: germline. Affected: yes. Observed: 1 variant allele.

Labcorp Genetics (formerly Invitae), Labcorp
Classification: Uncertain significance. Last evaluated: 2024-10-16. Review status: criteria provided, single submitter. Criteria: Invitae Variant Classification Sherloc (09022015). Collection method: clinical testing. Allele origin: germline.
Comment: This sequence change replaces arginine, which is basic and polar, with cysteine, which is neutral and slightly polar, at codon 2483 of the ACAN protein (p.Arg2483Cys). This variant is present in population databases (rs781181702, gnomAD 0.005%). This variant has not been reported in the literature in individuals affected with ACAN-related conditions. An algorithm developed to predict the effect of missense changes on protein structure and function (PolyPhen-2) suggests that this variant is likely to be disruptive. In summary, the available evidence is currently insufficient to determine the role of this variant in disease. Therefore, it has been classified as a Variant of Uncertain Significance.